The following is an entry in ClinVar:

ClinVar aggregate classification (germline): Uncertain significance (1 of 4 stars; one submission).

Conditions:
Combined immunodeficiency due to DOCK8 deficiency (HIES2). Also called: HYPER-IgE SYNDROME 2, AUTOSOMAL RECESSIVE, WITH RECURRENT INFECTIONS; DOCK8 Deficiency; HIES autosomal recessive; Hyper-IgE recurrent infection syndrome, autosomal recessive; HYPER-IgE RECURRENT INFECTION SYNDROME 2, AUTOSOMAL RECESSIVE. Identifiers: Orphanet 217390, MedGen C4722305, MONDO:0009478, OMIM 243700.

gnomAD v4.1: 1 of 1,614,180 alleles (0.000062%); highest among the groups gnomAD compares: Middle Eastern, 0.016%; no homozygotes.

Submission:

Labcorp Genetics (formerly Invitae), Labcorp
Classification: Uncertain significance for Combined immunodeficiency due to DOCK8 deficiency. Last evaluated: 2025-01-24. Review status: criteria provided, single submitter. Criteria: Invitae Variant Classification Sherloc (09022015). Collection method: clinical testing. Allele origin: germline.
Comment: This sequence change replaces serine, which is neutral and polar, with leucine, which is neutral and non-polar, at codon 244 of the DOCK8 protein (p.Ser244Leu). This variant is not present in population databases (gnomAD no frequency). This variant has not been reported in the literature in individuals affected with DOCK8-related conditions. Invitae Evidence Modeling of protein sequence and biophysical properties (such as structural, functional, and spatial information, amino acid conservation, physicochemical variation, residue mobility, and thermodynamic stability) indicates that this missense variant is not expected to disrupt DOCK8 protein function with a negative predictive value of 80%. In summary, the available evidence is currently insufficient to determine the role of this variant in disease. Therefore, it has been classified as a Variant of Uncertain Significance.

NM_203447.4(DOCK8):c.731C>T (p.Ser244Leu)

Gene: DOCK8 (dedicator of cytokinesis 8; plus strand). Cytogenetic location: 9p24.3.
Variant type: single nucleotide variant.
Coding change: c.731C>T on transcript NM_203447.4 (MANE Select); coding-DNA position 731, C replaced by T.
Protein change: p.Ser244Leu; replaces serine 244 with leucine.
Molecular consequence: missense variant.
Genome position (GRCh38, 1-based): chr9:312,156, C>T. VCF-style: chr9-312156-C-T. GRCh37 (hg19) VCF-style: chr9-312156-C-T.
Other names: c.527C>T, p.Ser176Leu (NM_001190458.2, NM_001193536.2); short protein forms S244L, S176L.
Identifiers: ClinVar variation 3665288 (VCV003665288.2).